The following is an entry in ClinVar:

NM_006939.4(SOS2):c.572C>A (p.Pro191His)

Gene: SOS2 (SOS Ras/Rho guanine nucleotide exchange factor 2; minus strand). Cytogenetic location: 14q21.3.
Variant type: single nucleotide variant.
Coding change: c.572C>A on transcript NM_006939.4 (MANE Select); coding-DNA position 572, C replaced by A.
Protein change: p.Pro191His; replaces proline 191 with histidine.
Molecular consequence: missense variant.
Genome position (GRCh38, 1-based): chr14:50,188,639, G>T on the plus strand (C>A on the coding strand, the complement: SOS2 is on the minus strand). VCF-style: chr14-50188639-G-T. GRCh37 (hg19) VCF-style: chr14-50655357-G-T.
Other names: short protein forms P191H.
Identifiers: ClinVar variation 1045471 (VCV001045471.8), dbSNP rs72681869, ClinGen allele CA389648237.

ClinVar aggregate classification (germline): Uncertain significance (1 of 4 stars; one submission).

Conditions:
Noonan syndrome 9 (NS9). Identifiers: Orphanet 648, MedGen C4225282, MONDO:0014691, OMIM 616559.

Submission:

Labcorp Genetics (formerly Invitae), Labcorp
Classification: Uncertain significance for Noonan syndrome 9. Last evaluated: 2020-03-19. Review status: criteria provided, single submitter. Criteria: Invitae Variant Classification Sherloc (09022015). Collection method: clinical testing. Allele origin: germline.
Comment: Algorithms developed to predict the effect of missense changes on protein structure and function are either unavailable or do not agree on the potential impact of this missense change (SIFT: "Tolerated"; PolyPhen-2: "Possibly Damaging"; Align-GVGD: "Class C0"). In summary, the available evidence is currently insufficient to determine the role of this variant in disease. Therefore, it has been classified as a Variant of Uncertain Significance. This sequence change replaces proline with histidine at codon 191 of the SOS2 protein (p.Pro191His). The proline residue is highly conserved and there is a moderate physicochemical difference between proline and histidine. This variant is not present in population databases (ExAC no frequency). This variant has not been reported in the literature in individuals with SOS2-related conditions.